The following is an entry in ClinVar:

ClinVar aggregate classification (germline): Pathogenic/Likely pathogenic. Review status: criteria provided, multiple submitters, no conflicts (2 of 4 stars). 3 submissions from 3 submitters: Pathogenic (1); Likely pathogenic (1). 1 of the submissions does not count toward it. Last evaluated 2026-01-21.

Conditions:
Neurofibromatosis, type 1 (NF1). Also called: Neurofibromatosis, type I; Peripheral type neurofibromatosis; VON RECKLINGHAUSEN DISEASE; NEUROFIBROMATOSIS, TYPE I, SOMATIC. Identifiers: Orphanet 636, MedGen C0027831, MONDO:0018975, OMIM 162200. Disease mechanism: loss of function.

Submissions (3):

GeneDx
Classification: Pathogenic. Last evaluated: 2026-01-21. Review status: criteria provided, single submitter. Criteria: GeneDx Variant Classification Process June 2021. Collection method: clinical testing. Allele origin: germline.
Comment: Frameshift variant predicted to result in protein truncation or nonsense mediated decay in a gene for which loss of function is a known mechanism of disease; Not observed at significant frequency in large population cohorts (gnomAD); This variant is associated with the following publications: (PMID: 28961165, 31776437)

Dasa
Classification: Likely pathogenic. Last evaluated: 2025-01-07. Review status: criteria provided, single submitter. Criteria: DASA Assertion Criteria. Collection method: clinical testing. Allele origin: germline.
Comment: NM_001042492.3(NF1):c.6326del (p.Phe2109Serfs*2) is a frameshift variant in NF1 predicted to alter the reading frame and introduce a premature termination codon and is predicted to result in an absent or altered protein product. Loss of function is an established disease mechanism for NF1 (PMID: 1757093; PMID: 1302608; PMID: 34427956). Also, this variant is absent from population databases. Based on the currently available evidence, this variant is classified as likely pathogenic.

Medical Genetics, University of Parma
Classification: Pathogenic for Neurofibromatosis type 1. Last evaluated: 2017-02-02. Review status: no assertion criteria provided. Collection method: clinical testing. Allele origin: germline. Affected: yes. Not counted in ClinVar's aggregate classification.

Literature cited by the submitters: PubMed 1757093 (cited by Dasa); PubMed 1302608 (cited by Dasa); PubMed 34427956 (cited by Dasa).

NM_001042492.3(NF1):c.6326del (p.Phe2109fs)

Gene: NF1 (neurofibromin 1; plus strand). Cytogenetic location: 17q11.2.
Variant type: Deletion.
Coding change: c.6326del on transcript NM_001042492.3 (MANE Select); coding-DNA position 6326, one base deleted (T; older notation c.6326delT).
Protein change: p.Phe2109fs; shifts the reading frame from phenylalanine 2109.
Molecular consequence: frameshift variant.
Genome position (GRCh38, 1-based): chr17:31,336,813, T deleted; the last of 3 consecutive T bases (chr17:31,336,811-31,336,813); deleting any one gives the same sequence. VCF-style (leftmost placement, unchanged base first): chr17-31336810-CT-C. GRCh37 (hg19) VCF-style: chr17-29663828-CT-C.
Other names: c.6263delT, p.Phe2088Serfs (NM_000267.4); c.6326delT, p.Phe2109Serfs (NM_001042492.2); short protein forms F2109fs, F2088fs.
Identifiers: ClinVar variation 431669 (VCV000431669.4), dbSNP rs1135402885, ClinGen allele CA645372613.
Genomic context (GRCh38, chr17:31,336,810, plus strand): 5'-TGTCCTTCAACAATTCCCTTGATGTGGCAGCTCATCTTCCCTACCTCTTCCACGTTGTTA[CT>C]TTCTTAGTAGCCACAGGTCCGCTCTCCCTTAGAGCTTCCACACATGGACTGGTCATTAAT-3'